The following is an entry in ClinVar:

ClinVar aggregate classification (germline): Uncertain significance. Review status: criteria provided, multiple submitters, no conflicts (2 of 4 stars). 2 submissions from 2 submitters: Uncertain significance (2). Last evaluated 2023-06-29.

Conditions:
Inborn genetic diseases. Identifiers: MedGen C0950123, MeSH D030342.
Lymphoproliferative syndrome 2 (LPFS2). Also called: Combined immunodeficiency due to CD27 deficiency; CD27 DEFICIENCY. Identifiers: Orphanet 238505, MedGen C3554540, MONDO:0014054, OMIM 615122.

Allele frequency attached by ClinVar (database versions not stated): gnomAD exomes 0.00001 and 0.00010; gnomAD 0.00004; TOPMed 0.00007; ExAC 0.00013.
gnomAD v4.1: 24 of 1,613,288 alleles (0.0015%); highest among the groups gnomAD compares: East Asian, 0.049%; no homozygotes.

Submissions (2):

Ambry Genetics
Classification: Uncertain significance for Inborn genetic diseases. Last evaluated: 2023-06-29. Review status: criteria provided, single submitter. Criteria: Ambry Variant Classification Scheme 2023. Collection method: clinical testing. Allele origin: germline.

Labcorp Genetics (formerly Invitae), Labcorp
Classification: Uncertain significance for Lymphoproliferative syndrome 2. Last evaluated: 2022-11-28. Review status: criteria provided, single submitter. Criteria: Invitae Variant Classification Sherloc (09022015). Collection method: clinical testing. Allele origin: germline.
Comment: This sequence change replaces glutamic acid, which is acidic and polar, with glutamine, which is neutral and polar, at codon 255 of the CD27 protein (p.Glu255Gln). This variant is present in population databases (rs766655010, gnomAD 0.1%). This variant has not been reported in the literature in individuals affected with CD27-related conditions. ClinVar contains an entry for this variant (Variation ID: 1003118). Algorithms developed to predict the effect of missense changes on protein structure and function (SIFT, PolyPhen-2, Align-GVGD) all suggest that this variant is likely to be disruptive. In summary, the available evidence is currently insufficient to determine the role of this variant in disease. Therefore, it has been classified as a Variant of Uncertain Significance.

NM_001242.5(CD27):c.763G>C (p.Glu255Gln)

Genes: CD27 (CD27 molecule; plus strand), CD27-AS1 (CD27 antisense RNA 1; minus strand). Cytogenetic location: 12p13.31.
Variant type: single nucleotide variant.
Coding change: c.763G>C on transcript NM_001242.5 (MANE Select); coding-DNA position 763, G replaced by C.
Protein change: p.Glu255Gln; replaces glutamic acid 255 with glutamine.
Molecular consequence: missense variant. On other transcripts: non-coding transcript variant (1).
Genome position (GRCh38, 1-based): chr12:6,451,372, G>C. VCF-style: chr12-6451372-G-C. GRCh37 (hg19) VCF-style: chr12-6560538-G-C.
Other names: c.763G>C (NM_001242.4); short protein forms E255Q.
Identifiers: ClinVar variation 1003118 (VCV001003118.11), dbSNP rs766655010, ClinGen allele CA6407093.
Genomic context (GRCh38, chr12:6,451,372, plus strand): 5'-AGCTGCCCCAGGGAGGAGGAGGGCAGCACCATCCCCATCCAGGAGGATTACCGAAAACCG[G>C]AGCCTGCCTGCTCCCCCTGAGCCAGCACCTGCGGGAGCTGCACTACAGCCCTGGCCTCCA-3'
Protein context (NP_001233.2, residues 245-260): IPIQEDYRKP[Glu255Gln]PACSP